The following is an entry in ClinVar:

NM_006494.4(ERF):c.1266A>G (p.Pro422=)

Gene: ERF (ETS2 repressor factor; minus strand). Cytogenetic location: 19q13.2.
Variant type: single nucleotide variant.
Coding change: c.1266A>G on transcript NM_006494.4 (MANE Select); coding-DNA position 1266, A replaced by G.
Protein change: p.Pro422=; no amino-acid change (proline 422 retained).
Molecular consequence: synonymous variant.
Genome position (GRCh38, 1-based): chr19:42,248,846, T>C on the plus strand (A>G on the coding strand, the complement: ERF is on the minus strand). VCF-style: chr19-42248846-T-C. GRCh37 (hg19) VCF-style: chr19-42752998-T-C.
Other names: c.1041A>G, p.Pro347= (NM_001301035.2, NM_001308402.2, NM_001312656.2).
Identifiers: ClinVar variation 3025600 (VCV003025600.22), dbSNP rs150750115, ClinGen allele CA9471203.

ClinVar aggregate classification (germline): Likely benign (1 of 4 stars; one submission).

Allele frequency attached by ClinVar (database versions not stated): TOPMed below 0.00001; gnomAD exomes 0.00001; ExAC 0.00003; ESP Exome Variant Server 0.00008.
gnomAD v4.1: 17 of 1,611,246 alleles (0.0011%); highest among the groups gnomAD compares: Middle Eastern, 0.017%; no homozygotes.

Submission:

CeGaT Center for Human Genetics Tuebingen
Classification: Likely benign. Last evaluated: 2024-02-01. Review status: criteria provided, single submitter. Criteria: CeGaT Center For Human Genetics Tuebingen Variant Classification Criteria Version 2. Collection method: clinical testing. Allele origin: germline. Affected: yes. Observed: 1 variant allele.
Comment: ERF: BP4, BP7